The following is an entry in ClinVar:

ClinVar aggregate classification (germline): Uncertain significance. Review status: criteria provided, multiple submitters, no conflicts (2 of 4 stars). 2 submissions from 2 submitters: Uncertain significance (2). Last evaluated 2025-11-24.

Conditions:
Charcot-Marie-Tooth disease type 2. Also called: Charcot-Marie-Tooth type 2. Identifiers: Orphanet 64746, MedGen C0270914, MONDO:0018993.

gnomAD v4.1: 1 of 1,614,220 alleles (0.000062%); highest among the groups gnomAD compares: Non-Finnish European, 0.000085%; no homozygotes.

Submissions (2):

Ambry Genetics
Classification: Uncertain significance. Last evaluated: 2025-11-24. Review status: criteria provided, single submitter. Criteria: Ambry Variant Classification Scheme 2023. Collection method: clinical testing. Allele origin: germline.
Comment: The p.P1176S variant (also known as c.3526C>T), located in coding exon 31 of the KIF1B gene, results from a C to T substitution at nucleotide position 3526. The proline at codon 1176 is replaced by serine, an amino acid with similar properties. This amino acid position is conserved. In addition, this alteration is predicted to be tolerated by in silico analysis. Based on the available evidence, the clinical significance of this variant remains unclear.

Labcorp Genetics (formerly Invitae), Labcorp
Classification: Uncertain significance for Charcot-Marie-Tooth disease type 2. Last evaluated: 2025-10-26. Review status: criteria provided, single submitter. Criteria: Invitae Variant Classification Sherloc (09022015). Collection method: clinical testing. Allele origin: germline.
Comment: This sequence change replaces proline, which is neutral and non-polar, with serine, which is neutral and polar, at codon 1176 of the KIF1B protein (p.Pro1176Ser). This variant is not present in population databases (gnomAD no frequency). This variant has not been reported in the literature in individuals affected with KIF1B-related conditions. An algorithm developed to predict the effect of missense changes on protein structure and function (PolyPhen-2) suggests that this variant is likely to be disruptive. In summary, the available evidence is currently insufficient to determine the role of this variant in disease. Therefore, it has been classified as a Variant of Uncertain Significance.

NM_001365951.3(KIF1B):c.3664C>T (p.Pro1222Ser)

Gene: KIF1B (kinesin family member 1B; plus strand). Cytogenetic location: 1p36.22.
Variant type: single nucleotide variant.
Coding change: c.3664C>T on transcript NM_001365951.3 (MANE Select); coding-DNA position 3664, C replaced by T.
Protein change: p.Pro1222Ser; replaces proline 1222 with serine.
Molecular consequence: missense variant.
Genome position (GRCh38, 1-based): chr1:10,343,263, C>T. VCF-style: chr1-10343263-C-T. GRCh37 (hg19) VCF-style: chr1-10403321-C-T.
Other names: c.3664C>T, p.Pro1222Ser (NM_001365952.1); c.3526C>T, p.Pro1176Ser (NM_015074.3); short protein forms P1222S, P1176S.
Identifiers: ClinVar variation 4543610 (VCV004543610.2).